The following is an entry in ClinVar:

ClinVar aggregate classification (germline): Uncertain significance (1 of 4 stars; one submission).

Conditions:
Hypertrophic cardiomyopathy. Also called: HYPERTROPHIC MYOCARDIOPATHY. Identifiers: Orphanet 217569, MedGen C0007194, MeSH D002312, MONDO:0005045, HP:0001639.

Submission:

Labcorp Genetics (formerly Invitae), Labcorp
Classification: Uncertain significance for Hypertrophic cardiomyopathy. Last evaluated: 2025-11-17. Review status: criteria provided, single submitter. Criteria: Invitae Variant Classification Sherloc (09022015). Collection method: clinical testing. Allele origin: germline.
Comment: This sequence change replaces valine, which is neutral and non-polar, with leucine, which is neutral and non-polar, at codon 1663 of the MYOM1 protein (p.Val1663Leu). This variant is not present in population databases (gnomAD no frequency). This variant has not been reported in the literature in individuals affected with MYOM1-related conditions. Invitae Evidence Modeling of protein sequence and biophysical properties (such as structural, functional, and spatial information, amino acid conservation, physicochemical variation, residue mobility, and thermodynamic stability) indicates that this missense variant is expected to disrupt MYOM1 protein function with a positive predictive value of 80%. In summary, the available evidence is currently insufficient to determine the role of this variant in disease. Therefore, it has been classified as a Variant of Uncertain Significance.

NM_003803.4(MYOM1):c.4987G>T (p.Val1663Leu)

Gene: MYOM1 (myomesin 1; minus strand). Cytogenetic location: 18p11.31.
Variant type: single nucleotide variant.
Coding change: c.4987G>T on transcript NM_003803.4 (MANE Select); coding-DNA position 4987, G replaced by T.
Protein change: p.Val1663Leu; replaces valine 1663 with leucine.
Molecular consequence: missense variant.
Genome position (GRCh38, 1-based): chr18:3,067,333, C>A on the plus strand (G>T on the coding strand, the complement: MYOM1 is on the minus strand). VCF-style: chr18-3067333-C-A. GRCh37 (hg19) VCF-style: chr18-3067331-C-A.
Other names: c.4699G>T, p.Val1567Leu (NM_019856.2); short protein forms V1663L, V1567L.
Identifiers: ClinVar variation 4779701 (VCV004779701.1).